The following is an entry in ClinVar:

NM_001814.6(CTSC):c.415G>C (p.Gly139Arg)

Gene: CTSC (cathepsin C; minus strand). Cytogenetic location: 11q14.2.
Variant type: single nucleotide variant.
Coding change: c.415G>C on transcript NM_001814.6 (MANE Select); coding-DNA position 415, G replaced by C.
Protein change: p.Gly139Arg; replaces glycine 139 with arginine.
Molecular consequence: missense variant.
Genome position (GRCh38, 1-based): chr11:88,312,458, C>G on the plus strand (G>C on the coding strand, the complement: CTSC is on the minus strand). VCF-style: chr11-88312458-C-G. GRCh37 (hg19) VCF-style: chr11-88045626-C-G.
Other names: short protein forms G139R.
Identifiers: ClinVar variation 2954203 (VCV002954203.3), dbSNP rs749103588, ClinGen allele CA382026557.

ClinVar aggregate classification (germline): Pathogenic (1 of 4 stars; one submission).

Conditions:
Periodontitis, aggressive. Identifiers: MedGen C0031106, MONDO:0980757.
Papillon-Lefèvre syndrome (PALS). Also called: KERATOSIS PALMOPLANTARIS WITH PERIODONTOPATHIA; Papillon-Lefevre Disease. Identifiers: Orphanet 678, MedGen C0030360, MONDO:0009490, OMIM 245000.
Haim-Munk syndrome (HMS). Also called: COCHIN JEWISH DISORDER; KERATOSIS PALMOPLANTARIS WITH PERIODONTOPATHIA AND ONYCHOGRYPOSIS. Identifiers: Orphanet 2342, MedGen C1855627, MONDO:0009491, OMIM 245010.

gnomAD v4.1: 6 of 1,614,142 alleles (0.00037%); highest among the groups gnomAD compares: Non-Finnish European, 0.00051%; no homozygotes.

Submission:

Labcorp Genetics (formerly Invitae), Labcorp
Classification: Pathogenic for Haim-Munk syndrome; Periodontitis, aggressive; Papillon-Lefèvre syndrome. Last evaluated: 2023-11-24. Review status: criteria provided, single submitter. Criteria: Invitae Variant Classification Sherloc (09022015). Collection method: clinical testing. Allele origin: germline.
Comment: This sequence change replaces glycine, which is neutral and non-polar, with arginine, which is basic and polar, at codon 139 of the CTSC protein (p.Gly139Arg). This variant is not present in population databases (gnomAD no frequency). This missense change has been observed in individual(s) with CTSC-related conditions (PMID: 12112662, 16332247, 18401176, 34515563). In at least one individual the data is consistent with being in trans (on the opposite chromosome) from a pathogenic variant. It has also been observed to segregate with disease in related individuals. Advanced modeling of protein sequence and biophysical properties (such as structural, functional, and spatial information, amino acid conservation, physicochemical variation, residue mobility, and thermodynamic stability) performed at Invitae indicates that this missense variant is expected to disrupt CTSC protein function with a positive predictive value of 80%. For these reasons, this variant has been classified as Pathogenic.

Literature cited by the submitters: PubMed 12112662; PubMed 16332247; PubMed 18401176; PubMed 34515563.